The following is an entry in ClinVar:

NM_138576.4(BCL11B):c.1494C>A (p.Pro498=)

Gene: BCL11B (BCL11 transcription factor B; minus strand). Cytogenetic location: 14q32.2.
Variant type: single nucleotide variant.
Coding change: c.1494C>A on transcript NM_138576.4 (MANE Select); coding-DNA position 1494, C replaced by A.
Protein change: p.Pro498=; no amino-acid change (proline 498 retained).
Molecular consequence: synonymous variant.
Genome position (GRCh38, 1-based): chr14:99,175,342, G>T on the plus strand (C>A on the coding strand, the complement: BCL11B is on the minus strand). VCF-style: chr14-99175342-G-T. GRCh37 (hg19) VCF-style: chr14-99641679-G-T.
Other names: c.1491C>A, p.Pro497= (NM_001282237.2); c.1278C>A, p.Pro426= (NM_001282238.2); c.1281C>A, p.Pro427= (NM_022898.3).
Identifiers: ClinVar variation 4872874 (VCV004872874.2).

ClinVar aggregate classification (germline): Likely benign (1 of 4 stars; one submission).

gnomAD v4.1: 1 of 1,558,110 alleles (0.000064%); highest among the groups gnomAD compares: East Asian, 0.0024%; no homozygotes.

Submission:

CeGaT Center for Human Genetics Tuebingen
Classification: Likely benign. Last evaluated: 2026-04-01. Review status: criteria provided, single submitter. Criteria: CeGaT Center For Human Genetics Tuebingen Variant Classification Criteria Version 2. Collection method: clinical testing. Allele origin: germline. Affected: yes. Observed: 1 variant allele.
Comment: BCL11B: BP4, BP7